The following is an entry in ClinVar:

NM_000350.3(ABCA4):c.4539+2084C>T

Gene: ABCA4 (ATP binding cassette subfamily A member 4; minus strand). Cytogenetic location: 1p22.1.
Variant type: single nucleotide variant.
Coding change: c.4539+2084C>T on transcript NM_000350.3 (MANE Select); 2084 bases into the intron after coding-DNA position 4539, C replaced by T.
Molecular consequence: intron variant.
Genome position (GRCh38, 1-based): chr1:94,027,361, G>A on the plus strand (C>T on the coding strand, the complement: ABCA4 is on the minus strand). VCF-style: chr1-94027361-G-A. GRCh37 (hg19) VCF-style: chr1-94492917-G-A.
Identifiers: ClinVar variation 866606 (VCV000866606.3), dbSNP rs371968492, ClinGen allele CA26848173.
Genomic context (GRCh38, chr1:94,027,361, plus strand): 5'-AAGTAAGGGTTCGTTTAGGAAATGAAACACCATGTAGGTAGGCTTGGCCTCCCCTCCCTC[G>A]CCCTGGCCAAGAGCTCAGGGTACAGTATCACAGCCTTGACGTCCTGATGCTGGAGGGTTT-3'

ClinVar aggregate classification (germline): Conflicting classifications of pathogenicity. Review status: criteria provided, conflicting classifications (1 of 4 stars). 2 submissions from 2 submitters: Uncertain significance (1); Likely benign (1). Last evaluated 2024-10-22.

Conditions:
ABCA4-related disorder. Also called: ABCA4-related condition; ABCA4-related disorders. Identifiers: MedGen CN239167.

Allele frequency attached by ClinVar (database versions not stated): 1000 Genomes Project 0.00080; 1000 Genomes Project 30x 0.00094; gnomAD 0.00113 and 0.00123; TOPMed 0.00117.
gnomAD v4.1: 170 of 152,286 alleles (0.11%); highest among the groups gnomAD compares: African/African-American, 0.38%; no homozygotes.

Submissions (2):

PreventionGenetics, part of Exact Sciences
Classification: Likely benign for ABCA4-related condition. Last evaluated: 2024-10-22. Review status: criteria provided, single submitter. Criteria: ACMG Guidelines, 2015. Collection method: clinical testing. Allele origin: germline.
Comment: This variant is classified as likely benign based on ACMG/AMP sequence variant interpretation guidelines (Richards et al. 2015 PMID: 25741868, with internal and published modifications).

Blueprint Genetics
Classification: Uncertain significance. Last evaluated: 2024-09-18. Review status: criteria provided, single submitter. Criteria: ACMG Guidelines, 2015. Collection method: clinical testing. Allele origin: germline.